The following is an entry in ClinVar:

NM_005560.6(LAMA5):c.2256G>C (p.Gly752=)

Gene: LAMA5 (laminin subunit alpha 5; minus strand). Cytogenetic location: 20q13.33.
Variant type: single nucleotide variant.
Coding change: c.2256G>C on transcript NM_005560.6 (MANE Select); coding-DNA position 2256, G replaced by C.
Protein change: p.Gly752=; no amino-acid change (glycine 752 retained).
Molecular consequence: synonymous variant.
Genome position (GRCh38, 1-based): chr20:62,336,407, C>G on the plus strand (G>C on the coding strand, the complement: LAMA5 is on the minus strand). VCF-style: chr20-62336407-C-G. GRCh37 (hg19) VCF-style: chr20-60911463-C-G.
Identifiers: ClinVar variation 5001445 (VCV005001445.1).
Genomic context (GRCh38, chr20:62,336,407, plus strand): 5'-GCCCTCGGGGTTGCTGGGGCTCAGTCCCCAGAACCCAGGTTTGCAGCGGTCACAGCTCGG[C>G]CCCTCCACGTGAGCCCGGCACATACAGGGAACCTGTGCCTGGGAGAGGACAAGACTGCAG-3'
Protein context (NP_005551.3, residues 742-762): VPCMCRAHVE[Gly752=]PSCDRCKPGF

ClinVar aggregate classification (germline): Likely benign (1 of 4 stars; one submission).

Conditions:
LAMA5-related disorder. Also called: LAMA5-Related Disorders; LAMA5-related condition.

Submission:

PreventionGenetics, part of Exact Sciences
Classification: Likely benign for LAMA5-related condition. Last evaluated: 2025-02-24. Review status: criteria provided, single submitter. Criteria: ACMG Guidelines, 2015. Collection method: clinical testing. Allele origin: germline.
Comment: This variant is classified as likely benign based on ACMG/AMP sequence variant interpretation guidelines (Richards et al. 2015 PMID: 25741868, with internal and published modifications).